The following is an entry in ClinVar:

ClinVar aggregate classification (germline): Uncertain significance (1 of 4 stars; one submission).

Allele frequency attached by ClinVar (database versions not stated): TOPMed below 0.00001; ExAC 0.00001; gnomAD 0.00001; gnomAD exomes 0.00001 and 0.00002.
gnomAD v4.1: 19 of 1,609,176 alleles (0.0012%); highest among the groups gnomAD compares: Admixed American, 0.0034%; no homozygotes.

Submission:

GeneDx
Classification: Uncertain significance. Last evaluated: 2019-06-03. Review status: criteria provided, single submitter. Criteria: GeneDx Variant Classification Process June 2021. Collection method: clinical testing. Allele origin: germline. Affected: yes.
Comment: Not observed at a significant frequency in large population cohorts (Lek et al., 2016); In silico analysis, which includes splice predictors and evolutionary conservation, supports a deleterious effect; Has not been previously published as pathogenic or benign to our knowledge

NM_002206.3(ITGA7):c.671-306C>T

Gene: ITGA7 (integrin subunit alpha 7; minus strand). Cytogenetic location: 12q13.2.
Variant type: single nucleotide variant.
Coding change: c.671-306C>T on transcript NM_002206.3 (MANE Select); 306 bases into the intron before coding-DNA position 671, C replaced by T.
Molecular consequence: intron variant. On other transcripts: missense variant (6).
Genome position (GRCh38, 1-based): chr12:55,700,295, G>A on the plus strand (C>T on the coding strand, the complement: ITGA7 is on the minus strand). VCF-style: chr12-55700295-G-A. GRCh37 (hg19) VCF-style: chr12-56094079-G-A.
Other names: c.769C>T, p.Arg257Cys (NM_001144996.2, NM_001410977.1, NM_001414029.1 and 1 more transcripts); c.478C>T, p.Arg160Cys (NM_001144997.2); c.430C>T, p.Arg144Cys (NM_001367993.1); c.-503+604C>T (NM_001367994.1); c.671-306C>T (NM_001374465.1); short protein forms R144C, R160C, R257C.
Identifiers: ClinVar variation 1306064 (VCV001306064.2), dbSNP rs754813765, ClinGen allele CA6616225.